The following is an entry in ClinVar:

ClinVar aggregate classification (germline): Uncertain significance (1 of 4 stars; one submission).

Submission:

GeneDx
Classification: Uncertain significance. Last evaluated: 2022-06-22. Review status: criteria provided, single submitter. Criteria: GeneDx Variant Classification Process June 2021. Collection method: clinical testing. Allele origin: germline. Affected: yes.
Comment: In silico analysis supports that this missense variant does not alter protein structure/function; Has not been previously published as pathogenic or benign to our knowledge

NM_031206.7(LAS1L):c.318G>T (p.Leu106Phe)

Gene: LAS1L (LAS1 like ribosome biogenesis factor; minus strand). Cytogenetic location: Xq12.
Variant type: single nucleotide variant.
Coding change: c.318G>T on transcript NM_031206.7 (MANE Select); coding-DNA position 318, G replaced by T.
Protein change: p.Leu106Phe; replaces leucine 106 with phenylalanine.
Molecular consequence: missense variant. On other transcripts: 5 prime UTR variant (1), non-coding transcript variant (1), intron variant (1).
Genome position (GRCh38, 1-based): chrX:65,533,654, C>A on the plus strand (G>T on the coding strand, the complement: LAS1L is on the minus strand). VCF-style: chrX-65533654-C-A. GRCh37 (hg19) VCF-style: chrX-64753534-C-A.
Other names: c.318G>T, p.Leu106Phe (NM_001170649.2, NM_001375328.1, NM_001375329.1 and 8 more transcripts); c.-479G>T (NM_001375332.1); c.236+826G>T (NM_001170650.2); short protein forms L106F.
Identifiers: ClinVar variation 1806706 (VCV001806706.1), dbSNP rs1569444597, ClinGen allele CA413320552.